The following is an entry in ClinVar:

NM_001386298.1(CIC):c.7195A>G (p.Thr2399Ala)

Gene: CIC (capicua transcriptional repressor; plus strand). Cytogenetic location: 19q13.2.
Variant type: single nucleotide variant.
Coding change: c.7195A>G on transcript NM_001386298.1 (MANE Select); coding-DNA position 7195, A replaced by G.
Protein change: p.Thr2399Ala; replaces threonine 2399 with alanine.
Molecular consequence: missense variant.
Genome position (GRCh38, 1-based): chr19:42,294,832, A>G. VCF-style: chr19-42294832-A-G. GRCh37 (hg19) VCF-style: chr19-42798984-A-G.
Other names: c.7195A>G, p.Thr2399Ala (NM_001304815.2); c.7192A>G, p.Thr2398Ala (NM_001379480.1, NM_001379482.1); c.4462A>G, p.Thr1488Ala (NM_001379484.1); c.4459A>G, p.Thr1487Ala (NM_001379485.1); c.4468A>G, p.Thr1490Ala (NM_015125.5); short protein forms T1487A, T1488A, T1490A, T2398A, T2399A.
Identifiers: ClinVar variation 1679600 (VCV001679600.1), dbSNP rs2147353869, ClinGen allele CA406124158.

ClinVar aggregate classification (germline): Uncertain significance (1 of 4 stars; one submission).

Conditions:
Intellectual developmental disorder, autosomal dominant 45. Also called: MENTAL RETARDATION, AUTOSOMAL DOMINANT 45; Intellectual disability, autosomal dominant 45. Identifiers: MedGen C4539848, MONDO:0030910, OMIM 617600.

Submission:

New York Genome Center
Classification: Uncertain significance for Intellectual developmental disorder, autosomal dominant 45. Last evaluated: 2021-04-30. Review status: criteria provided, single submitter. Criteria: NYGC Assertion Criteria 2020. Collection method: clinical testing. Allele origin: germline. Observed: 1 heterozygote. Study: CSER-NYCKidSeq.
Comment: The heterozygous c.7195A>G (p.Thr2399Ala) missense variant identified in the CIC gene has not been reported in affected individuals in the literature. The variant is absent from the gnomAD(v3) database suggesting it is not a common benign variant in the populations represented in that database. The variant affects an evolutionarily conserved residue and is predicted deleterious by multiple In silico prediction tools [CADD score = 24.6, REVEL score =0.758). Based on the available evidence, the heterozygous c.7195A>G (p.Thr2399Ala) missense variant identified in the CIC gene is reported as a variant of uncertain significance.